The following is an entry in ClinVar:

NM_001267550.2(TTN):c.95875G>C (p.Val31959Leu)

Genes: TTN (titin; minus strand), TTN-AS1 (TTN antisense RNA 1; plus strand). Cytogenetic location: 2q31.2.
Variant type: single nucleotide variant.
Coding change: c.95875G>C on transcript NM_001267550.2 (MANE Select); coding-DNA position 95875, G replaced by C.
Protein change: p.Val31959Leu; replaces valine 31959 with leucine.
Molecular consequence: missense variant.
Genome position (GRCh38, 1-based): chr2:178,544,354, C>G on the plus strand (G>C on the coding strand, the complement: TTN is on the minus strand). VCF-style: chr2-178544354-C-G. GRCh37 (hg19) VCF-style: chr2-179409081-C-G.
Other names: c.90952G>C, p.Val30318Leu (NM_001256850.1); c.68680G>C, p.Val22894Leu (NM_003319.4); c.88171G>C, p.Val29391Leu (NM_133378.4); c.69055G>C, p.Val23019Leu (NM_133432.3); c.69256G>C, p.Val23086Leu (NM_133437.4); short protein forms V29391L, V30318L, V22894L, V23019L, V31959L, V23086L.
Identifiers: ClinVar variation 1755861 (VCV001755861.5), dbSNP rs1372238245, ClinGen allele CA349456533.

ClinVar aggregate classification (germline): Uncertain significance. Review status: criteria provided, multiple submitters, no conflicts (2 of 4 stars). 2 submissions from 2 submitters: Uncertain significance (2). Last evaluated 2024-04-30.

Conditions:
Cardiovascular phenotype. Identifiers: MedGen CN230736.

Allele frequency attached by ClinVar (database versions not stated): TOPMed 0.00002; gnomAD exomes 0.00001; gnomAD 0.00001.
gnomAD v4.1: 5 of 1,613,634 alleles (0.00031%); highest among the groups gnomAD compares: Admixed American, 0.0083%; no homozygotes.

Submissions (2):

Revvity Omics, Revvity
Classification: Uncertain significance. Last evaluated: 2024-04-30. Review status: criteria provided, single submitter. Criteria: ACMG Guidelines, 2015. Collection method: clinical testing. Allele origin: germline.

Ambry Genetics
Classification: Uncertain significance for Cardiovascular phenotype. Last evaluated: 2019-03-29. Review status: criteria provided, single submitter. Criteria: Ambry Variant Classification Scheme 2023. Collection method: clinical testing. Allele origin: germline.
Comment: The p.V22894L variant (also known as c.68680G>C), located in coding exon 172 of the TTN gene, results from a G to C substitution at nucleotide position 68680. The valine at codon 22894 is replaced by leucine, an amino acid with highly similar properties. This amino acid position is not well conserved in available vertebrate species. In addition, this alteration is predicted to be tolerated by in silico analysis. Since supporting evidence is limited at this time, the clinical significance of this alteration remains unclear.